The following is an entry in ClinVar:

NM_001401501.2(MUC16):c.18249T>C (p.Val6083=)

Gene: MUC16 (mucin 16, cell surface associated; minus strand). Cytogenetic location: 19p13.2.
Variant type: single nucleotide variant.
Coding change: c.18249T>C on transcript NM_001401501.2 (MANE Select); coding-DNA position 18249, T replaced by C.
Protein change: p.Val6083=; no amino-acid change (valine 6083 retained).
Molecular consequence: synonymous variant.
Genome position (GRCh38, 1-based): chr19:8,958,641, A>G on the plus strand (T>C on the coding strand, the complement: MUC16 is on the minus strand). VCF-style: chr19-8958641-A-G. GRCh37 (hg19) VCF-style: chr19-9069317-A-G.
Other names: c.18675T>C, p.Val6225= (NM_001414686.1); c.18129T>C, p.Val6043= (NM_001414687.1, NM_024690.2).
Identifiers: ClinVar variation 2649251 (VCV002649251.24), dbSNP rs373215075, ClinGen allele CA9169776.

ClinVar aggregate classification (germline): Likely benign (1 of 4 stars; one submission).

Allele frequency attached by ClinVar (database versions not stated): ExAC 0.00002; gnomAD 0.00003; gnomAD exomes 0.00003; TOPMed 0.00003; ESP Exome Variant Server 0.00016.

Submission:

CeGaT Center for Human Genetics Tuebingen
Classification: Likely benign. Last evaluated: 2022-12-01. Review status: criteria provided, single submitter. Criteria: CeGaT Center For Human Genetics Tuebingen Variant Classification Criteria Version 2. Collection method: clinical testing. Allele origin: germline. Affected: yes. Observed: 1 variant allele.
Comment: MUC16: BP4, BP7